The following is an entry in ClinVar:

ClinVar aggregate classification (germline): Pathogenic. Review status: reviewed by expert panel (3 of 4 stars). 2 submissions from 2 submitters: Pathogenic (1). 1 of the submissions does not count toward it. Last evaluated 2016-10-18.

Conditions:
Breast-ovarian cancer, familial, susceptibility to, 2 (BROVCA2). Also called: BRCA2 Hereditary Breast and Ovarian Cancer. Identifiers: Orphanet 145, MedGen C2675520, MONDO:0012933, OMIM 612555. Disease mechanism: loss of function.

Submissions (2):

Evidence-based Network for the Interpretation of Germline Mutant Alleles (ENIGMA)
Classification: Pathogenic for Breast-ovarian cancer, familial, susceptibility to, 2. Last evaluated: 2016-10-18. Review status: reviewed by expert panel. Criteria: ENIGMA BRCA1/2 Classification Criteria (2015). Collection method: curation. Allele origin: germline.
Comment: Variant allele predicted to encode a truncated non-functional protein.

Consortium of Investigators of Modifiers of BRCA1/2 (CIMBA), c/o University of Cambridge
Classification: Pathogenic for Breast-ovarian cancer, familial, susceptibility to, 2. Last evaluated: 2015-10-02. Review status: criteria provided, single submitter. Criteria: CIMBA Mutation Classification guidelines May 2016. Collection method: clinical testing. Allele origin: germline. Not counted in ClinVar's aggregate classification.

NM_000059.4(BRCA2):c.3723_3725delinsAT (p.Phe1241fs)

Gene: BRCA2 (BRCA2 DNA repair associated; plus strand). Cytogenetic location: 13q13.1.
Variant type: Indel.
Coding change: c.3723_3725delinsAT on transcript NM_000059.4 (MANE Select); coding-DNA positions 3723 to 3725, TAG replaced by AT.
Protein change: p.Phe1241fs; shifts the reading frame from phenylalanine 1241.
Molecular consequence: frameshift variant.
Genome position (GRCh38, 1-based): chr13:32,338,078-32,338,080, TAG replaced by AT. VCF-style: chr13-32338078-TAG-AT. GRCh37 (hg19) VCF-style: chr13-32912215-TAG-AT.
Other names: 3951_3953delinsAT; c.3723_3725delTAGinsAT (NM_000059.3); short protein forms F1241fs.
Identifiers: ClinVar variation 51511 (VCV000051511.7), dbSNP rs397507682, ClinGen allele CA018658.